The following is an entry in ClinVar:

NM_001128178.3(NPHP1):c.70-1G>T

Gene: NPHP1 (nephrocystin 1; minus strand). Cytogenetic location: 2q13.
Variant type: single nucleotide variant.
Coding change: c.70-1G>T on transcript NM_001128178.3 (MANE Select); the canonical splice acceptor site of the intron before coding-DNA position 70, G replaced by T.
Molecular consequence: splice acceptor variant.
Genome position (GRCh38, 1-based): chr2:110,201,495, C>A on the plus strand (G>T on the coding strand, the complement: NPHP1 is on the minus strand). VCF-style: chr2-110201495-C-A. GRCh37 (hg19) VCF-style: chr2-110959072-C-A.
Other names: c.70-1G>T (NM_001128179.3, NM_001374256.1, NM_001374257.1 and 2 more transcripts).
Identifiers: ClinVar variation 2870060 (VCV002870060.3), dbSNP rs1171179496, ClinGen allele CA348094222.

ClinVar aggregate classification (germline): Likely pathogenic (1 of 4 stars; one submission).

Conditions:
Nephronophthisis. Also called: Juvenile Nephronophthisis. Identifiers: Orphanet 655, MedGen C0687120, MONDO:0019005, HP:0000090.

Allele frequency attached by ClinVar (database versions not stated): gnomAD exomes below 0.00001; gnomAD 0.00001; TOPMed 0.00003.
gnomAD v4.1: 2 of 1,602,026 alleles (0.00012%); highest among the groups gnomAD compares: African/African-American, 0.0013%; no homozygotes.

Submission:

Labcorp Genetics (formerly Invitae), Labcorp
Classification: Likely pathogenic for Nephronophthisis. Last evaluated: 2023-11-13. Review status: criteria provided, single submitter. Criteria: Invitae Variant Classification Sherloc (09022015). Collection method: clinical testing. Allele origin: germline.
Comment: This sequence change affects an acceptor splice site in intron 1 of the NPHP1 gene. It is expected to disrupt RNA splicing. Variants that disrupt the donor or acceptor splice site typically lead to a loss of protein function (PMID: 16199547), and loss-of-function variants in NPHP1 are known to be pathogenic (PMID: 23559409). This variant is not present in population databases (gnomAD no frequency). This variant has not been reported in the literature in individuals affected with NPHP1-related conditions. Algorithms developed to predict the effect of sequence changes on RNA splicing suggest that this variant may disrupt the consensus splice site. In summary, the currently available evidence indicates that the variant is pathogenic, but additional data are needed to prove that conclusively. Therefore, this variant has been classified as Likely Pathogenic.

Literature cited by the submitters: PubMed 16199547; PubMed 23559409.